The following is an entry in ClinVar:

ClinVar aggregate classification (germline): Pathogenic (1 of 4 stars; one submission).

Conditions:
Cardiovascular phenotype. Identifiers: MedGen CN230736.

Submission:

Ambry Genetics
Classification: Pathogenic for Cardiovascular phenotype. Last evaluated: 2026-03-18. Review status: criteria provided, single submitter. Criteria: Ambry Variant Classification Scheme 2023. Collection method: clinical testing. Allele origin: germline.
Comment: The c.4428_4430delACAinsCC pathogenic mutation, located in coding exon 7 of the ALPK3 gene, results from the deletion of 3 nucleotides and insertion of two nucleotides causing a translational frameshift with a predicted alternate stop codon (p.Q1477Rfs*2). This variant is considered to be rare based on population cohorts in the Genome Aggregation Database (gnomAD). This alteration is expected to result in loss of function by premature protein truncation or nonsense-mediated mRNA decay. As such, this alteration is interpreted as a disease-causing mutation.

NM_020778.5(ALPK3):c.3822_3824delinsCC (p.Gln1275fs)

Gene: ALPK3 (alpha kinase 3; plus strand). Cytogenetic location: 15q25.3.
Variant type: Indel.
Coding change: c.3822_3824delinsCC on transcript NM_020778.5 (MANE Select); coding-DNA positions 3822 to 3824, ACA replaced by CC.
Protein change: p.Gln1275fs; shifts the reading frame from glutamine 1275.
Molecular consequence: frameshift variant.
Genome position (GRCh38, 1-based): chr15:84,859,247-84,859,249, ACA replaced by CC. VCF-style: chr15-84859247-ACA-CC. GRCh37 (hg19) VCF-style: chr15-85402478-ACA-CC.
Other names: short protein forms Q1275fs.
Identifiers: ClinVar variation 4871156 (VCV004871156.1).